The following is an entry in ClinVar:

NM_000038.6(APC):c.212G>T (p.Arg71Leu)

Gene: APC (APC regulator of Wnt signaling pathway; plus strand). Cytogenetic location: 5q22.2.
Variant type: single nucleotide variant.
Coding change: c.212G>T on transcript NM_000038.6 (MANE Select); coding-DNA position 212, G replaced by T.
Protein change: p.Arg71Leu; replaces arginine 71 with leucine.
Molecular consequence: missense variant. On other transcripts: 5 prime UTR variant (1).
Genome position (GRCh38, 1-based): chr5:112,766,402, G>T. VCF-style: chr5-112766402-G-T. GRCh37 (hg19) VCF-style: chr5-112102099-G-T.
Other names: c.212G>T, p.Arg71Leu (NM_001127510.3, NM_001354895.2, NM_001354896.2 and 2 more transcripts); c.242G>T, p.Arg81Leu (NM_001127511.3, NM_001354897.2, NM_001354902.2); c.137G>T, p.Arg46Leu (NM_001354898.2, NM_001354904.2); c.35G>T, p.Arg12Leu (NM_001354900.2, NM_001354901.2, NM_001354905.2); c.-824G>T (NM_001354906.2); c.212G>T (NM_000038.5); short protein forms R81L, R12L, R71L, R46L.
Identifiers: ClinVar variation 1485494 (VCV001485494.7), dbSNP rs750503329, ClinGen allele CA16021807.
Genomic context (GRCh38, chr5:112,766,402, plus strand): 5'-TACAAGGAAGTATTGAAGATGAAGCTATGGCTTCTTCTGGACAGATTGATTTATTAGAGC[G>T]TCTTAAAGGTAGATTTTAAAAAGGTGTTTTAAAATAATTTTTTAAGCTCAAATTGTCATC-3'
Protein context (NP_000029.2, residues 61-81): ASSGQIDLLE[Arg71Leu]LKELNLDSSN

ClinVar aggregate classification (germline): Uncertain significance. Review status: criteria provided, multiple submitters, no conflicts (2 of 4 stars). 2 submissions from 2 submitters: Uncertain significance (2). Last evaluated 2025-10-10.

Conditions:
Hereditary cancer-predisposing syndrome. Also called: Hereditary neoplastic syndrome; Neoplastic Syndromes, Hereditary; Hereditary Cancer Syndrome; Tumor predisposition. Identifiers: Orphanet 140162, MedGen C0027672, MeSH D009386, MONDO:0015356.
Familial adenomatous polyposis 1 (FAP1). Also called: POLYPOSIS, ADENOMATOUS INTESTINAL; FAMILIAL ADENOMATOUS POLYPOSIS 1, ATTENUATED. Identifiers: MedGen C2713442, MONDO:0021056, OMIM 175100. Disease mechanism: loss of function.

gnomAD v4.1: 1 of 1,607,242 alleles (0.000062%); highest among the groups gnomAD compares: East Asian, 0.0022%; no homozygotes.

Submissions (2):

Labcorp Genetics (formerly Invitae), Labcorp
Classification: Uncertain significance for Familial adenomatous polyposis 1. Last evaluated: 2025-10-10. Review status: criteria provided, single submitter. Criteria: Invitae Variant Classification Sherloc (09022015). Collection method: clinical testing. Allele origin: germline.
Comment: This sequence change replaces arginine, which is basic and polar, with leucine, which is neutral and non-polar, at codon 71 of the APC protein (p.Arg71Leu). This variant is present in population databases (no rsID available, gnomAD 0.06%). This variant has not been reported in the literature in individuals affected with APC-related conditions. ClinVar contains an entry for this variant (Variation ID: 1485494). Invitae Evidence Modeling of protein sequence and biophysical properties (such as structural, functional, and spatial information, amino acid conservation, physicochemical variation, residue mobility, and thermodynamic stability) indicates that this missense variant is not expected to disrupt APC protein function with a negative predictive value of 95%. In summary, the available evidence is currently insufficient to determine the role of this variant in disease. Therefore, it has been classified as a Variant of Uncertain Significance.

Ambry Genetics
Classification: Uncertain significance for Hereditary cancer-predisposing syndrome. Last evaluated: 2025-04-29. Review status: criteria provided, single submitter. Criteria: Ambry Variant Classification Scheme 2023. Collection method: clinical testing. Allele origin: germline.
Comment: The p.R71L variant (also known as c.212G>T), located in coding exon 2 of the APC gene, results from a G to T substitution at nucleotide position 212. The arginine at codon 71 is replaced by leucine, an amino acid with dissimilar properties. This amino acid position is conserved. In addition, in silico predictors for this gene do not accurately predict pathogenicity. Based on the available evidence, the clinical significance of this variant remains unclear.